The following is an entry in ClinVar:

NM_006915.3(RP2):c.631C>T (p.Arg211Cys)

Gene: RP2 (RP2 activator of ARL3 GTPase; plus strand). Cytogenetic location: Xp11.3.
Variant type: single nucleotide variant.
Coding change: c.631C>T on transcript NM_006915.3 (MANE Select); coding-DNA position 631, C replaced by T.
Protein change: p.Arg211Cys; replaces arginine 211 with cysteine.
Molecular consequence: missense variant.
Genome position (GRCh38, 1-based): chrX:46,854,004, C>T. VCF-style: chrX-46854004-C-T. GRCh37 (hg19) VCF-style: chrX-46713439-C-T.
Other names: short protein forms R211C.
Identifiers: ClinVar variation 1359723 (VCV001359723.10), dbSNP rs782023042, ClinGen allele CA10394227.
Genomic context (GRCh38, chrX:46,854,004, plus strand): 5'-GAAGATGCTGTGGTTCAGGACTATGTTCCTATACCTACTACCGAAGAGCTCAAAGCTGTT[C>T]GTGTTTCCACAGAAGCCAATAGAAGCATTGTTCCAATATCCCGGGGTCAGAGACAGAAGA-3'
Protein context (NP_008846.2, residues 201-221): IPTTEELKAV[Arg211Cys]VSTEANRSIV

ClinVar aggregate classification (germline): Uncertain significance. Review status: criteria provided, multiple submitters, no conflicts (2 of 4 stars). 3 submissions from 3 submitters: Uncertain significance (3). Last evaluated 2024-07-30.

Allele frequency attached by ClinVar (database versions not stated): TOPMed below 0.00001; ExAC 0.00001; gnomAD 0.00001.

Submissions (3):

Women's Health and Genetics/Laboratory Corporation of America, LabCorp
Classification: Uncertain significance. Last evaluated: 2024-07-30. Review status: criteria provided, single submitter. Criteria: LabCorp Variant Classification Summary - May 2015. Collection method: clinical testing. Allele origin: germline.
Comment: Variant summary: RP2 c.631C>T (p.Arg211Cys) results in a non-conservative amino acid change located in the Tubulin binding cofactor C-like domain (IPR012945) of the encoded protein sequence. Four of five in-silico tools predict a damaging effect of the variant on protein function. The variant allele was found at a frequency of 5.5e-06 in 183375 control chromosomes. The available data on variant occurrences in the general population are insufficient to allow any conclusion about variant significance. To our knowledge, no occurrence of c.631C>T in individuals affected with Retinitis Pigmentosa, X-Linked and no experimental evidence demonstrating its impact on protein function have been reported. ClinVar contains an entry for this variant (Variation ID: 1359723). Based on the evidence outlined above, the variant was classified as uncertain significance.

Blueprint Genetics
Classification: Uncertain significance. Last evaluated: 2021-08-10. Review status: criteria provided, single submitter. Criteria: ACMG Guidelines, 2015. Collection method: clinical testing. Allele origin: germline.

Labcorp Genetics (formerly Invitae), Labcorp
Classification: Uncertain significance. Last evaluated: 2021-06-07. Review status: criteria provided, single submitter. Criteria: Invitae Variant Classification Sherloc (09022015). Collection method: clinical testing. Allele origin: germline.
Comment: Algorithms developed to predict the effect of missense changes on protein structure and function are either unavailable or do not agree on the potential impact of this missense change (SIFT: "Deleterious"; PolyPhen-2: "Benign"; Align-GVGD: "Class C15"). In summary, the available evidence is currently insufficient to determine the role of this variant in disease. Therefore, it has been classified as a Variant of Uncertain Significance. This variant has not been reported in the literature in individuals with RP2-related conditions. This sequence change replaces arginine with cysteine at codon 211 of the RP2 protein (p.Arg211Cys). The arginine residue is highly conserved and there is a large physicochemical difference between arginine and cysteine. This variant is present in population databases (rs782023042, ExAC 0.002%).